The following is an entry in ClinVar:

NM_014585.6(SLC40A1):c.-23A>G

Gene: SLC40A1 (solute carrier family 40 member 1; minus strand). Cytogenetic location: 2q32.2.
Variant type: single nucleotide variant.
Coding change: c.-23A>G on transcript NM_014585.6 (MANE Select); 23 bases upstream of the start codon, A replaced by G.
Molecular consequence: 5 prime UTR variant.
Genome position (GRCh38, 1-based): chr2:189,580,483, T>C on the plus strand (A>G on the coding strand, the complement: SLC40A1 is on the minus strand). VCF-style: chr2-189580483-T-C. GRCh37 (hg19) VCF-style: chr2-190445209-T-C.
Identifiers: ClinVar variation 333175 (VCV000333175.6), dbSNP rs114904726, ClinGen allele CA2024349.

ClinVar aggregate classification (germline): Benign. Review status: criteria provided, multiple submitters, no conflicts (2 of 4 stars). 2 submissions from 2 submitters: Benign (2). Last evaluated 2018-01-13.

Conditions:
Hemochromatosis type 4 (HFE4). Also called: HEMOCHROMATOSIS DUE TO DEFECT IN FERROPORTIN; HEMOCHROMATOSIS, AUTOSOMAL DOMINANT; Ferroportin disease. Identifiers: Orphanet 139491, Orphanet 647834, Orphanet 648562, MedGen C1853733, MONDO:0011631, OMIM 606069.

Allele frequency attached by ClinVar (database versions not stated): 1000 Genomes Project 0.00699; ESP Exome Variant Server 0.00853; gnomAD exomes 0.00178 and 0.00066; 1000 Genomes Project 30x 0.00656; gnomAD 0.00661 and 0.00713; ExAC 0.00228; TOPMed 0.00783.
gnomAD v4.1: 1,989 of 1,613,070 alleles (0.12%); highest among the groups gnomAD compares: African/African-American, 2.4%; 30 homozygotes.

Submissions (2):

Illumina Laboratory Services, Illumina
Classification: Benign for Hemochromatosis type 4. Last evaluated: 2018-01-13. Review status: criteria provided, single submitter. Criteria: ICSL Variant Classification Criteria 13 December 2019. Collection method: clinical testing. Allele origin: germline.
Comment: This variant was observed in the ICSL laboratory as part of a predisposition screen in an ostensibly healthy population. It had not been previously curated by ICSL or reported in the Human Gene Mutation Database (HGMD: prior to June 1st, 2018), and was therefore a candidate for classification through an automated scoring system. Utilizing variant allele frequency, disease prevalence and penetrance estimates, and inheritance mode, an automated score was calculated to assess if this variant is too frequent to cause the disease. Based on the score and internal cut-off values, a variant classified as benign is not then subjected to further curation. The score for this variant resulted in a classification of benign for this disease.

Breakthrough Genomics
Classification: Benign. Review status: criteria provided, single submitter. Criteria: ACMG Guidelines, 2015. Collection method: not provided. Allele origin: germline. Inheritance: Autosomal dominant inheritance. Affected: yes.